The following is an entry in ClinVar:

NM_000218.3(KCNQ1):c.1394-17223C>T

Genes: KCNQ1 (potassium voltage-gated channel subfamily Q member 1; plus strand), KCNQ1OT1 (KCNQ1 opposite strand/antisense transcript 1; minus strand). Cytogenetic location: 11p15.5.
Variant type: single nucleotide variant.
Coding change: c.1394-17223C>T on transcript NM_000218.3 (MANE Select); 17223 bases into the intron before coding-DNA position 1394, C replaced by T.
Molecular consequence: intron variant. On other transcripts: non-coding transcript variant (1).
Genome position (GRCh38, 1-based): chr11:2,644,738, C>T. VCF-style: chr11-2644738-C-T. GRCh37 (hg19) VCF-style: chr11-2665968-C-T.
Other names: c.1124-17223C>T (NM_001406837.1); c.1298-17223C>T (NM_001406836.1); c.854-17223C>T (NM_001406838.1); c.1013-17223C>T (NM_181798.2).
Identifiers: ClinVar variation 3250954 (VCV003250954.18), dbSNP rs187240888.

ClinVar aggregate classification (germline): Likely benign (1 of 4 stars; one submission).

Allele frequency attached by ClinVar (database versions not stated): gnomAD exomes 0.00034; gnomAD 0.00244; TOPMed 0.00320; 1000 Genomes Project 0.00419; 1000 Genomes Project 30x 0.00422.
gnomAD v4.1: 464 of 398,568 alleles (0.12%); highest among the groups gnomAD compares: African/African-American, 0.88%; 2 homozygotes.

Submission:

CeGaT Center for Human Genetics Tuebingen
Classification: Likely benign. Last evaluated: 2024-06-01. Review status: criteria provided, single submitter. Criteria: CeGaT Center For Human Genetics Tuebingen Variant Classification Criteria Version 2. Collection method: clinical testing. Allele origin: germline. Affected: yes. Observed: 1 variant allele.
Comment: KCNQ1OT1: BS1